The following is an entry in ClinVar:

NM_001330700.2(TOP2B):c.4513C>A (p.Pro1505Thr)

Gene: TOP2B (DNA topoisomerase II beta; minus strand). Cytogenetic location: 3p24.2.
Variant type: single nucleotide variant.
Coding change: c.4513C>A on transcript NM_001330700.2 (MANE Select); coding-DNA position 4513, C replaced by A.
Protein change: p.Pro1505Thr; replaces proline 1505 with threonine.
Molecular consequence: missense variant.
Genome position (GRCh38, 1-based): chr3:25,601,202, G>T on the plus strand (C>A on the coding strand, the complement: TOP2B is on the minus strand). VCF-style: chr3-25601202-G-T. GRCh37 (hg19) VCF-style: chr3-25642693-G-T.
Other names: c.4498C>A, p.Pro1500Thr (NM_001068.3); c.4513C>A (NM_001330700.1); short protein forms P1500T, P1505T.
Identifiers: ClinVar variation 1545861 (VCV001545861.10), dbSNP rs114586748, ClinGen allele CA2288074.

ClinVar aggregate classification (germline): Benign. Review status: criteria provided, single submitter (1 of 4 stars). 2 submissions from 2 submitters: Benign (1). 1 of the submissions does not count toward it. Last evaluated 2026-01-22.

Conditions:
TOP2B-related disorder. Also called: TOP2B-related condition.

Allele frequency attached by ClinVar (database versions not stated): gnomAD exomes 0.00024; ExAC 0.00030; gnomAD 0.00083 and 0.00086; ESP Exome Variant Server 0.00117; 1000 Genomes Project 0.00120; 1000 Genomes Project 30x 0.00125.
gnomAD v4.1: 326 of 1,613,472 alleles (0.02%); highest among the groups gnomAD compares: African/African-American, 0.28%; no homozygotes.

Submissions (2):

Labcorp Genetics (formerly Invitae), Labcorp
Classification: Benign. Last evaluated: 2026-01-22. Review status: criteria provided, single submitter. Criteria: Invitae Variant Classification Sherloc (09022015). Collection method: clinical testing. Allele origin: germline.

PreventionGenetics, part of Exact Sciences
Classification: Likely benign for TOP2B-related condition. Last evaluated: 2024-07-25. Review status: no assertion criteria provided. Collection method: clinical testing. Allele origin: germline. Not counted in ClinVar's aggregate classification.
Comment: This variant is classified as likely benign based on ACMG/AMP sequence variant interpretation guidelines (Richards et al. 2015 PMID: 25741868, with internal and published modifications).